The following is an entry in ClinVar:

ClinVar aggregate classification (germline): Likely benign (1 of 4 stars; one submission).

gnomAD v4.1: 38 of 1,572,372 alleles (0.0024%); highest among the groups gnomAD compares: South Asian, 0.007%; no homozygotes.

Submission:

Women's Health and Genetics/Laboratory Corporation of America, LabCorp
Classification: Likely benign. Last evaluated: 2024-05-24. Review status: criteria provided, single submitter. Criteria: LabCorp Variant Classification Summary - May 2015. Collection method: clinical testing. Allele origin: germline.
Comment: Variant summary: KATNB1 c.1881C>T alters a conserved nucleotide resulting in a synonymous change. Consensus agreement among computation tools predict no significant impact on normal splicing. However, these predictions have yet to be confirmed by functional studies. The variant allele was found at a frequency of 3.3e-05 in 184010 control chromosomes. The available data on variant occurrences in the general population are insufficient to allow any conclusion about variant significance. To our knowledge, no occurrence of c.1881C>T in individuals affected with Lissencephaly 6 With Microcephaly and no experimental evidence demonstrating its impact on protein function have been reported. No submitters have cited clinical-significance assessments for this variant to ClinVar. Based on the evidence outlined above, the variant was classified as likely benign.

NM_005886.3(KATNB1):c.1881C>T (p.Ser627=)

Gene: KATNB1 (katanin regulatory subunit B1; plus strand). Cytogenetic location: 16q21.
Variant type: single nucleotide variant.
Coding change: c.1881C>T on transcript NM_005886.3 (MANE Select); coding-DNA position 1881, C replaced by T.
Protein change: p.Ser627=; no amino-acid change (serine 627 retained).
Molecular consequence: synonymous variant.
Genome position (GRCh38, 1-based): chr16:57,756,859, C>T. VCF-style: chr16-57756859-C-T. GRCh37 (hg19) VCF-style: chr16-57790771-C-T.
Identifiers: ClinVar variation 3336384 (VCV003336384.1).